The following is an entry in ClinVar:

ClinVar aggregate classification (germline): Pathogenic (1 of 4 stars; one submission).

Conditions:
Neurofibromatosis, type 1 (NF1). Also called: VON RECKLINGHAUSEN DISEASE; Peripheral type neurofibromatosis; NEUROFIBROMATOSIS, TYPE I, SOMATIC; Neurofibromatosis, type I. Identifiers: Orphanet 636, MedGen C0027831, MONDO:0018975, OMIM 162200. Disease mechanism: loss of function.

Submission:

Labcorp Genetics (formerly Invitae), Labcorp
Classification: Pathogenic for Neurofibromatosis, type 1. Last evaluated: 2020-07-07. Review status: criteria provided, single submitter. Criteria: Invitae Variant Classification Sherloc (09022015). Collection method: clinical testing. Allele origin: germline.
Comment: This variant is not present in population databases (ExAC no frequency). This sequence change creates a premature translational stop signal (p.Asn222Glyfs*4) in the NF1 gene. It is expected to result in an absent or disrupted protein product. For these reasons, this variant has been classified as Pathogenic. Loss-of-function variants in NF1 are known to be pathogenic (PMID: 10712197, 23913538). This variant has not been reported in the literature in individuals with NF1-related conditions.

Literature cited by the submitters: PubMed 10712197; PubMed 23913538.

NM_001042492.3(NF1):c.662_663dup (p.Asn222fs)

Gene: NF1 (neurofibromin 1; plus strand). Cytogenetic location: 17q11.2.
Variant type: Duplication.
Coding change: c.662_663dup on transcript NM_001042492.3 (MANE Select); coding-DNA positions 662 to 663, 2 bases duplicated (GG; older notation c.662_663dupGG).
Protein change: p.Asn222fs; shifts the reading frame from asparagine 222.
Molecular consequence: frameshift variant.
Genome position (GRCh38, 1-based): chr17:31,181,717-31,181,718, GG duplicated. VCF-style (leftmost placement, unchanged base first): chr17-31181716-T-TGG. GRCh37 (hg19) VCF-style: chr17-29508734-T-TGG.
Other names: c.662_663dup, p.Asn222Glyfs (NM_000267.4); c.662_663dup, p.Asn222fs (NM_001128147.3); short protein forms N222fs.
Identifiers: ClinVar variation 1071253 (VCV001071253.5), dbSNP rs1555608736, ClinGen allele CA2499223963.
Genomic context (GRCh38, chr17:31,181,716, plus strand): 5'-TATTTACTGTATTACAAAAAATCACTGTAAAGACATGTGGTTCTTTATTTATAGGCATTT[T>TGG]GGAACTGGGTAGAAAATTATCCAGATGAATTTACAAAACTGTACCAGATCCCACAGACTG-3'